The following is an entry in ClinVar:

NM_000435.3(NOTCH3):c.1537A>C (p.Ser513Arg)

Gene: NOTCH3 (notch receptor 3; minus strand). Cytogenetic location: 19p13.12.
Variant type: single nucleotide variant.
Coding change: c.1537A>C on transcript NM_000435.3 (MANE Select); coding-DNA position 1537, A replaced by C.
Protein change: p.Ser513Arg; replaces serine 513 with arginine.
Molecular consequence: missense variant.
Genome position (GRCh38, 1-based): chr19:15,187,950, T>G on the plus strand (A>C on the coding strand, the complement: NOTCH3 is on the minus strand). VCF-style: chr19-15187950-T-G. GRCh37 (hg19) VCF-style: chr19-15298761-T-G.
Other names: short protein forms S513R.
Identifiers: ClinVar variation 3201371 (VCV003201371.3), dbSNP rs2512659457, ClinGen allele CA404526484.
Genomic context (GRCh38, chr19:15,187,950, plus strand): 5'-AGCGGCACTCGTAGCCATCGGGCTGGTCCACGCATTTGGCGCCATTCCTGCAGGGCGTGC[T>G]GGCGCATTCGTCCACGTCCAGCTGACACGTGGAGCCGCTGAAGCCTGGGGTGGGGAGTGG-3'
Protein context (NP_000426.2, residues 503-523): TCQLDVDECA[Ser513Arg]TPCRNGAKCV

ClinVar aggregate classification (germline): Uncertain significance. Review status: criteria provided, multiple submitters, no conflicts (2 of 4 stars). 2 submissions from 2 submitters: Uncertain significance (2). Last evaluated 2024-01-03.

Conditions:
Inborn genetic diseases. Identifiers: MedGen C0950123, MeSH D030342.
Cerebral arteriopathy, autosomal dominant, with subcortical infarcts and leukoencephalopathy, type 1 (CADASIL1). Also called: CADASIL 1; CASIL; Cerebral arteriopathy with subcortical infarcts and leukoencephalopathy 1; DEMENTIA, HEREDITARY MULTIINFARCT TYPE. Identifiers: Orphanet 136, MedGen C4551768, MONDO:0000914, OMIM 125310.
Lateral meningocele syndrome (LMNS). Also called: NOTCH3-Related Lateral Meningocele Syndrome. Identifiers: Orphanet 2789, MedGen C1851710, MONDO:0007537, OMIM 130720.
Myofibromatosis, infantile, 2. Identifiers: Orphanet 2591, MedGen C3809084, MONDO:0014122, OMIM 615293.

Submissions (2):

Ambry Genetics
Classification: Uncertain significance for Inborn genetic diseases. Last evaluated: 2024-01-03. Review status: criteria provided, single submitter. Criteria: Ambry Variant Classification Scheme 2023. Collection method: clinical testing. Allele origin: germline.

Juno Genomics, Hangzhou Juno Genomics, Inc
Classification: Uncertain significance for Myofibromatosis, infantile, 2; Cerebral arteriopathy, autosomal dominant, with subcortical infarcts and leukoencephalopathy, type 1; Lateral meningocele syndrome. Review status: criteria provided, single submitter. Criteria: ACMG Guidelines, 2015. Collection method: clinical testing. Allele origin: germline.
Comment: Absent from controls (or at extremely low frequency if recessive) in Genome Aggregation Database.;Multiple lines of computational evidence support a deleterious effect on the gene or gene product.